The following is an entry in ClinVar:

NM_000642.3(AGL):c.3802A>G (p.Arg1268Gly)

Gene: AGL (amylo-alpha-1,6-glucosidase and 4-alpha-glucanotransferase; plus strand). Cytogenetic location: 1p21.2.
Variant type: single nucleotide variant.
Coding change: c.3802A>G on transcript NM_000642.3 (MANE Select); coding-DNA position 3802, A replaced by G.
Protein change: p.Arg1268Gly; replaces arginine 1268 with glycine.
Molecular consequence: missense variant.
Genome position (GRCh38, 1-based): chr1:99,910,813, A>G. VCF-style: chr1-99910813-A-G. GRCh37 (hg19) VCF-style: chr1-100376369-A-G.
Other names: c.3802A>G, p.Arg1268Gly (NM_000028.3, NM_000643.3, NM_000644.3 and 1 more transcripts); c.3754A>G, p.Arg1252Gly (NM_000646.3); c.3781A>G, p.Arg1261Gly (NM_001425326.1); c.3601A>G, p.Arg1201Gly (NM_001425327.1); c.3598A>G, p.Arg1200Gly (NM_001425328.1); c.3463A>G, p.Arg1155Gly (NM_001425329.1); c.3424A>G, p.Arg1142Gly (NM_001425332.1); short protein forms R1252G, R1268G, R1142G, R1155G, R1200G, R1201G, R1261G.
Identifiers: ClinVar variation 1039191 (VCV001039191.9), dbSNP rs1654696617, ClinGen allele CA341337960.

ClinVar aggregate classification (germline): Uncertain significance (1 of 4 stars; one submission).

Conditions:
Glycogen storage disease type III (GSD3). Also called: FORBES DISEASE; Cori disease. Identifiers: Orphanet 366, MedGen C0017922, MONDO:0009291, OMIM 232400.

Allele frequency attached by ClinVar (database versions not stated): gnomAD exomes below 0.00001.

Submission:

Labcorp Genetics (formerly Invitae), Labcorp
Classification: Uncertain significance for Glycogen storage disease type III. Last evaluated: 2020-08-08. Review status: criteria provided, single submitter. Criteria: Invitae Variant Classification Sherloc (09022015). Collection method: clinical testing. Allele origin: germline.
Comment: In summary, the available evidence is currently insufficient to determine the role of this variant in disease. Therefore, it has been classified as a Variant of Uncertain Significance. Algorithms developed to predict the effect of missense changes on protein structure and function are either unavailable or do not agree on the potential impact of this missense change (SIFT: "Deleterious"; PolyPhen-2: "Benign"; Align-GVGD: "Class C45"). This variant has not been reported in the literature in individuals with AGL-related conditions. This variant is not present in population databases (ExAC no frequency). This sequence change replaces arginine with glycine at codon 1268 of the AGL protein (p.Arg1268Gly). The arginine residue is highly conserved and there is a moderate physicochemical difference between arginine and glycine.